The following is an entry in ClinVar:

NM_006005.3(WFS1):c.510C>T (p.Thr170=)

Gene: WFS1 (wolframin ER transmembrane glycoprotein; plus strand). Cytogenetic location: 4p16.1.
Variant type: single nucleotide variant.
Coding change: c.510C>T on transcript NM_006005.3 (MANE Select); coding-DNA position 510, C replaced by T.
Protein change: p.Thr170=; no amino-acid change (threonine 170 retained).
Molecular consequence: synonymous variant.
Genome position (GRCh38, 1-based): chr4:6,291,246, C>T. VCF-style: chr4-6291246-C-T. GRCh37 (hg19) VCF-style: chr4-6292973-C-T.
Other names: c.510C>T, p.Thr170= (NM_001145853.1).
Identifiers: ClinVar variation 1245208 (VCV001245208.37), dbSNP rs151277039, ClinGen allele CA2838923.
Genomic context (GRCh38, chr4:6,291,246, plus strand): 5'-CTATCCCTCAGGCATCACGTCCGAGAACGAACGGGAGGTGAGGCAGCTCTCCTCCGAGAC[C>T]GACCTGGAGAGGGCCGTGCGCAAGGCAGCCCTGGTCATGTACTGGAAGCTCAACCCCAAG-3'
Protein context (NP_005996.2, residues 160-180): EREVRQLSSE[Thr170=]DLERAVRKAA

ClinVar aggregate classification (germline): Likely benign. Review status: criteria provided, multiple submitters, no conflicts (2 of 4 stars). 6 submissions from 6 submitters: Likely benign (5). 1 of the submissions does not count toward it. Last evaluated 2024-11-13.

Conditions:
WFS1-related disorder. Identifiers: MedGen CN379391, MONDO:0700293.
Cataract 41 (CTRCT41). Also called: CATARACT 41, CONGENITAL NUCLEAR TYPE. Identifiers: Orphanet 91492, Orphanet 98991, Orphanet 98992, Orphanet 98995, MedGen C3805412, MONDO:0007287, OMIM 116400.
Wolfram syndrome 1 (WFS1). Identifiers: Orphanet 3463, MedGen C4551693, MONDO:0009101, OMIM 222300.
Wolfram-like syndrome. Also called: HEARING LOSS, PROGRESSIVE, WITH OPTIC ATROPHY AND/OR IMPAIRED GLUCOSE REGULATION. Identifiers: Orphanet 411590, MedGen C3280358, MONDO:0013673, OMIM 614296.
Autosomal dominant nonsyndromic hearing loss 6 (LFSNHL). Also called: Autosomal dominant nonsyndromic deafness 6; DEAFNESS, AUTOSOMAL DOMINANT 6; DEAFNESS, AUTOSOMAL DOMINANT 14; DEAFNESS, AUTOSOMAL DOMINANT 38. Identifiers: Orphanet 90635, MedGen C1833021, MONDO:0010963, OMIM 600965.
Type 2 diabetes mellitus. Also called: Type II diabetes mellitus. Identifiers: MedGen C0011860, MeSH D003924, MONDO:0005148, OMIM 125853, HP:0005978.

Allele frequency attached by ClinVar (database versions not stated): ESP Exome Variant Server 0.00015.
gnomAD v4.1: 28 of 1,613,074 alleles (0.0017%); highest among the groups gnomAD compares: East Asian, 0.0022%; no homozygotes.

Submissions (6):

Labcorp Genetics (formerly Invitae), Labcorp
Classification: Likely benign. Last evaluated: 2024-11-13. Review status: criteria provided, single submitter. Criteria: Invitae Variant Classification Sherloc (09022015). Collection method: clinical testing. Allele origin: germline.

CeGaT Center for Human Genetics Tuebingen
Classification: Likely benign. Last evaluated: 2023-03-01. Review status: criteria provided, single submitter. Criteria: CeGaT Center For Human Genetics Tuebingen Variant Classification Criteria Version 2. Collection method: clinical testing. Allele origin: germline. Affected: yes. Observed: 2 variant alleles.
Comment: WFS1: BP4, BP7

Fulgent Genetics
Classification: Likely benign for Cataract 41; Type 2 diabetes mellitus; Wolfram syndrome 1; Autosomal dominant nonsyndromic hearing loss 6; Wolfram-like syndrome. Last evaluated: 2021-10-26. Review status: criteria provided, single submitter. Criteria: ACMG Guidelines, 2015. Collection method: clinical testing. Allele origin: unknown.

GeneDx
Classification: Likely benign. Last evaluated: 2018-12-04. Review status: criteria provided, single submitter. Criteria: GeneDx Variant Classification Process June 2021. Collection method: clinical testing. Allele origin: germline. Affected: yes.

Blueprint Genetics
Classification: Likely benign. Last evaluated: 2018-09-24. Review status: criteria provided, single submitter. Criteria: ACMG Guidelines, 2015. Collection method: clinical testing. Allele origin: germline.

PreventionGenetics, part of Exact Sciences
Classification: Likely benign for WFS1-related condition. Last evaluated: 2021-03-19. Review status: no assertion criteria provided. Collection method: clinical testing. Allele origin: germline. Not counted in ClinVar's aggregate classification.
Comment: This variant is classified as likely benign based on ACMG/AMP sequence variant interpretation guidelines (Richards et al. 2015 PMID: 25741868, with internal and published modifications).